The following is an entry in ClinVar:

ClinVar aggregate classification (germline): Likely benign. Review status: criteria provided, multiple submitters, no conflicts (2 of 4 stars). 2 submissions from 2 submitters: Likely benign (2). Last evaluated 2026-07-08.

Conditions:
Autosomal dominant nonsyndromic hearing loss 1. Also called: KONIGSMARK SYNDROME; DEAFNESS, AUTOSOMAL DOMINANT 1, WITH OR WITHOUT THROMBOCYTOPENIA. Identifiers: Orphanet 90635, MedGen C1852282, MONDO:0007424, OMIM 124900.
Progressive microcephaly-seizures-cortical blindness-developmental delay syndrome. Also called: Seizures, cortical blindness, and microcephaly syndrome. Identifiers: Orphanet 477814, MedGen C5567650, MONDO:0014714, OMIM 616632.
DIAPH1-related disorder. Also called: DIAPH1-related condition.

Allele frequency attached by ClinVar (database versions not stated): gnomAD exomes below 0.00001; gnomAD 0.00001.
gnomAD v4.1: 3 of 1,613,944 alleles (0.00019%); highest among the groups gnomAD compares: Admixed American, 0.0033%; no homozygotes.

Submissions (2):

PreventionGenetics, part of Exact Sciences
Classification: Likely benign for DIAPH1-related condition. Last evaluated: 2026-07-08. Review status: criteria provided, single submitter. Criteria: ACMG Guidelines, 2015. Collection method: clinical testing. Allele origin: germline.
Comment: This variant is classified as likely benign based on ACMG/AMP sequence variant interpretation guidelines (Richards et al. 2015 PMID: 25741868, with internal and published modifications).

Labcorp Genetics (formerly Invitae), Labcorp
Classification: Likely benign for Progressive microcephaly-seizures-cortical blindness-developmental delay syndrome; Autosomal dominant nonsyndromic hearing loss 1. Last evaluated: 2025-08-29. Review status: criteria provided, single submitter. Criteria: Invitae Variant Classification Sherloc (09022015). Collection method: clinical testing. Allele origin: germline.

NM_005219.5(DIAPH1):c.1674C>T (p.Ala558=)

Gene: DIAPH1 (diaphanous related formin 1; minus strand). Cytogenetic location: 5q31.3.
Variant type: single nucleotide variant.
Coding change: c.1674C>T on transcript NM_005219.5 (MANE Select); coding-DNA position 1674, C replaced by T.
Protein change: p.Ala558=; no amino-acid change (alanine 558 retained).
Molecular consequence: synonymous variant.
Genome position (GRCh38, 1-based): chr5:141,574,176, G>A on the plus strand (C>T on the coding strand, the complement: DIAPH1 is on the minus strand). VCF-style: chr5-141574176-G-A. GRCh37 (hg19) VCF-style: chr5-140953743-G-A.
Other names: c.1647C>T, p.Ala549= (NM_001079812.3); c.1674C>T, p.Ala558= (NM_001314007.2); c.1674C>T (NM_005219.4).
Identifiers: ClinVar variation 1595881 (VCV001595881.9), dbSNP rs927252375, ClinGen allele CA128437495.